The following is an entry in ClinVar:

ClinVar aggregate classification (germline): Pathogenic. Review status: criteria provided, multiple submitters, no conflicts (2 of 4 stars). 2 submissions from 2 submitters: Pathogenic (2). Last evaluated 2025-08-25.

Conditions:
Early-infantile DEE. Also called: Ohtahara syndrome; Early infantile epileptic encephalopathy; Early infantile epileptic encephalopathy with suppression bursts. Identifiers: Orphanet 1934, MedGen C0393706, MONDO:0800491.

Submissions (2):

Labcorp Genetics (formerly Invitae), Labcorp
Classification: Pathogenic for Early-infantile DEE. Last evaluated: 2025-08-25. Review status: criteria provided, single submitter. Criteria: Invitae Variant Classification Sherloc (09022015). Collection method: clinical testing. Allele origin: germline.
Comment: This sequence change affects an acceptor splice site in intron 14 of the KCNQ2 gene. It is expected to disrupt RNA splicing. Variants that disrupt the donor or acceptor splice site typically lead to a loss of protein function (PMID: 16199547), and loss-of-function variants in KCNQ2 are known to be pathogenic (PMID: 14534157, 23692823, 27779742). This variant is not present in population databases (gnomAD no frequency). Disruption of this splice site has been observed in individuals with clinical features of KCNQ2-related conditions (PMID: 9425895; internal data). This variant is also known as 544-1 G to A. ClinVar contains an entry for this variant (Variation ID: 205909). Algorithms developed to predict the effect of sequence changes on RNA splicing suggest that this variant may disrupt the consensus splice site. For these reasons, this variant has been classified as Pathogenic.

GeneDx
Classification: Pathogenic. Last evaluated: 2013-07-26. Review status: criteria provided, single submitter. Criteria: GeneDx Variant Classification (06012015). Collection method: clinical testing. Allele origin: germline. Affected: yes.
Comment: c.1632-1 G>A: IVS14-1 G>A in intron 14 of the KCNQ2 gene (NM_172107.2) The c.1632-1 G>A splice site mutation in the KCNQ2 gene has been previously reported in association with benign familial neonatal seizures as 544-1 G>A using alternative nomenclature (Singh et al., 1998), and is consistent with a diagnosis. This mutation destroys the canonical splice acceptor site in intron 14 and is expected to cause abnormal gene splicing. The variant is found in INFANT-EPI panel(s).

Literature cited by the submitters: PubMed 16199547 (cited by Labcorp Genetics (formerly Invitae), Labcorp); PubMed 14534157 (cited by Labcorp Genetics (formerly Invitae), Labcorp); PubMed 23692823 (cited by Labcorp Genetics (formerly Invitae), Labcorp); PubMed 27779742 (cited by Labcorp Genetics (formerly Invitae), Labcorp); PubMed 9425895 (cited by Labcorp Genetics (formerly Invitae), Labcorp).

NM_172107.4(KCNQ2):c.1632-1G>A

Gene: KCNQ2 (potassium voltage-gated channel subfamily Q member 2; minus strand). Cytogenetic location: 20q13.33.
Variant type: single nucleotide variant.
Coding change: c.1632-1G>A on transcript NM_172107.4 (MANE Select); the canonical splice acceptor site of the intron before coding-DNA position 1632, G replaced by A.
Molecular consequence: splice acceptor variant.
Genome position (GRCh38, 1-based): chr20:63,413,582, C>T on the plus strand (G>A on the coding strand, the complement: KCNQ2 is on the minus strand). VCF-style: chr20-63413582-C-T. GRCh37 (hg19) VCF-style: chr20-62044935-C-T.
Other names: c.1548-1G>A (NM_004518.6); c.1539-1G>A (NM_172108.5); c.1578-1G>A (NM_172106.3, NM_001382235.1).
Identifiers: ClinVar variation 205909 (VCV000205909.7), dbSNP rs118192233, ClinGen allele CA315455.